The following is an entry in ClinVar:

ClinVar aggregate classification (germline): Uncertain significance (1 of 4 stars; one submission).

Conditions:
Alagille syndrome due to a JAG1 point mutation. Also called: HEPATIC DUCTULAR HYPOPLASIA, SYNDROMATIC; Alagille Syndrome 1; JAG1-Related Alagille Syndrome. Identifiers: Orphanet 261619, Orphanet 52, MedGen C1956125, MONDO:0016862, OMIM 118450.

Submission:

Labcorp Genetics (formerly Invitae), Labcorp
Classification: Uncertain significance for Alagille syndrome due to a JAG1 point mutation. Last evaluated: 2022-10-13. Review status: criteria provided, single submitter. Criteria: Invitae Variant Classification Sherloc (09022015). Collection method: clinical testing. Allele origin: germline.
Comment: In summary, the available evidence is currently insufficient to determine the role of this variant in disease. Therefore, it has been classified as a Variant of Uncertain Significance. Advanced modeling of protein sequence and biophysical properties (such as structural, functional, and spatial information, amino acid conservation, physicochemical variation, residue mobility, and thermodynamic stability) performed at Invitae indicates that this missense variant is not expected to disrupt JAG1 protein function. This variant has not been reported in the literature in individuals affected with JAG1-related conditions. This variant is not present in population databases (gnomAD no frequency). This sequence change replaces histidine, which is basic and polar, with tyrosine, which is neutral and polar, at codon 978 of the JAG1 protein (p.His978Tyr).

NM_000214.3(JAG1):c.2932C>T (p.His978Tyr)

Gene: JAG1 (jagged canonical Notch ligand 1; minus strand). Cytogenetic location: 20p12.2.
Variant type: single nucleotide variant.
Coding change: c.2932C>T on transcript NM_000214.3 (MANE Select); coding-DNA position 2932, C replaced by T.
Protein change: p.His978Tyr; replaces histidine 978 with tyrosine.
Molecular consequence: missense variant.
Genome position (GRCh38, 1-based): chr20:10,641,229, G>A on the plus strand (C>T on the coding strand, the complement: JAG1 is on the minus strand). VCF-style: chr20-10641229-G-A. GRCh37 (hg19) VCF-style: chr20-10621877-G-A.
Other names: short protein forms H978Y.
Identifiers: ClinVar variation 1721558 (VCV001721558.5), dbSNP rs2067268961, ClinGen allele CA408244646.